The following is an entry in ClinVar:

ClinVar aggregate classification (germline): Uncertain significance (1 of 4 stars; one submission).

Conditions:
Inborn genetic diseases. Identifiers: MedGen C0950123, MeSH D030342.

Submission:

Ambry Genetics
Classification: Uncertain significance for Inborn genetic diseases. Last evaluated: 2025-08-01. Review status: criteria provided, single submitter. Criteria: Ambry Variant Classification Scheme 2023. Collection method: clinical testing. Allele origin: germline.
Comment: The p.Q113R variant (also known as c.338A>G), located in coding exon 3 of the CEP57 gene, results from an A to G substitution at nucleotide position 338. The glutamine at codon 113 is replaced by arginine, an amino acid with highly similar properties. This amino acid position is conserved. In addition, this alteration is predicted to be tolerated by in silico analysis. Based on the available evidence, the clinical significance of this variant remains unclear.

NM_014679.5(CEP57):c.338A>G (p.Gln113Arg)

Gene: CEP57 (centrosomal protein 57; plus strand). Cytogenetic location: 11q21.
Variant type: single nucleotide variant.
Coding change: c.338A>G on transcript NM_014679.5 (MANE Select); coding-DNA position 338, A replaced by G.
Protein change: p.Gln113Arg; replaces glutamine 113 with arginine.
Molecular consequence: missense variant. On other transcripts: intron variant (3).
Genome position (GRCh38, 1-based): chr11:95,813,067, A>G. VCF-style: chr11-95813067-A-G. GRCh37 (hg19) VCF-style: chr11-95546231-A-G.
Other names: c.311A>G, p.Gln104Arg (NM_001243776.2); c.338A>G, p.Gln113Arg (NM_001243777.2, NM_001440871.1, NM_001440872.1 and 4 more transcripts); c.257A>G, p.Gln86Arg (NM_001363604.2, NM_001440869.1, NM_001440870.1 and 3 more transcripts); c.203-401A>G (NM_001440873.1, NM_001440881.1); c.122-401A>G (NM_001440880.1); short protein forms Q86R, Q104R, Q113R.
Identifiers: ClinVar variation 4226368 (VCV004226368.1).